The following is an entry in ClinVar:

NM_014611.3(MDN1):c.2301A>G (p.Leu767=)

Gene: MDN1 (midasin AAA ATPase 1; minus strand). Cytogenetic location: 6q15.
Variant type: single nucleotide variant.
Coding change: c.2301A>G on transcript NM_014611.3 (MANE Select); coding-DNA position 2301, A replaced by G.
Protein change: p.Leu767=; no amino-acid change (leucine 767 retained).
Molecular consequence: synonymous variant.
Genome position (GRCh38, 1-based): chr6:89,762,374, T>C on the plus strand (A>G on the coding strand, the complement: MDN1 is on the minus strand). VCF-style: chr6-89762374-T-C. GRCh37 (hg19) VCF-style: chr6-90472093-T-C.
Other names: c.2301A>G (NM_014611.2).
Identifiers: ClinVar variation 2656768 (VCV002656768.25), dbSNP rs114281969, ClinGen allele CA3925698.
Genomic context (GRCh38, chr6:89,762,374, plus strand): 5'-CTTACCAGTTTCACTGTCTTTTCCATCCTTGTTAACAGCAGACTTGTGTACATGCTGCAT[T>C]AGTCTCAGGAGATCATGCCACCGTTTCTGTCTGTAACAGGTCTGAATGTGCCCCAAGAAC-3'
Protein context (NP_055426.1, residues 757-777): RQKRWHDLLR[Leu767=]MQHVHKSAVN

ClinVar aggregate classification (germline): Likely benign. Review status: criteria provided, single submitter (1 of 4 stars). 2 submissions from 2 submitters: Likely benign (1). 1 of the submissions does not count toward it. Last evaluated 2023-03-01.

Conditions:
MDN1-related disorder. Also called: MDN1-related condition.

Allele frequency attached by ClinVar (database versions not stated): 1000 Genomes Project 0.00200; 1000 Genomes Project 30x 0.00203; gnomAD 0.00390; TOPMed 0.00413; ESP Exome Variant Server 0.00415; ExAC 0.00433; gnomAD exomes 0.00500.
gnomAD v4.1: 8,013 of 1,614,166 alleles (0.5%); highest among the groups gnomAD compares: Middle Eastern, 4.6%; 43 homozygotes.

Submissions (2):

CeGaT Center for Human Genetics Tuebingen
Classification: Likely benign. Last evaluated: 2023-03-01. Review status: criteria provided, single submitter. Criteria: CeGaT Center For Human Genetics Tuebingen Variant Classification Criteria Version 2. Collection method: clinical testing. Allele origin: germline. Affected: yes. Observed: 1 variant allele.
Comment: MDN1: BP4, BP7, BS2

PreventionGenetics, part of Exact Sciences
Classification: Likely benign for MDN1-related condition. Last evaluated: 2019-02-19. Review status: no assertion criteria provided. Collection method: clinical testing. Allele origin: germline. Not counted in ClinVar's aggregate classification.
Comment: This variant is classified as likely benign based on ACMG/AMP sequence variant interpretation guidelines (Richards et al. 2015 PMID: 25741868, with internal and published modifications).